The following is an entry in ClinVar:

NM_006766.5(KAT6A):c.2534G>C (p.Arg845Pro)

Gene: KAT6A (lysine acetyltransferase 6A; minus strand). Cytogenetic location: 8p11.21.
Variant type: single nucleotide variant.
Coding change: c.2534G>C on transcript NM_006766.5 (MANE Select); coding-DNA position 2534, G replaced by C.
Protein change: p.Arg845Pro; replaces arginine 845 with proline.
Molecular consequence: missense variant.
Genome position (GRCh38, 1-based): chr8:41,941,347, C>G on the plus strand (G>C on the coding strand, the complement: KAT6A is on the minus strand). VCF-style: chr8-41941347-C-G. GRCh37 (hg19) VCF-style: chr8-41798865-C-G.
Other names: short protein forms R845P.
Identifiers: ClinVar variation 3344321 (VCV003344321.1).

ClinVar aggregate classification (germline): Uncertain significance (0 of 4 stars; one submission).

Conditions:
KAT6A-related disorder. Also called: KAT6A-related condition.

Submission:

PreventionGenetics, part of Exact Sciences
Classification: Uncertain significance for KAT6A-related condition. Last evaluated: 2024-05-17. Review status: no assertion criteria provided. Collection method: clinical testing. Allele origin: germline.
Comment: The KAT6A c.2534G>C variant is predicted to result in the amino acid substitution p.Arg845Pro. To our knowledge, this variant has not been reported in the literature or in a large population database, indicating this variant is rare. At this time, the clinical significance of this variant is uncertain due to the absence of conclusive functional and genetic evidence.